The following is an entry in ClinVar:

ClinVar aggregate classification (germline): Pathogenic. Review status: criteria provided, single submitter (1 of 4 stars). 2 submissions from 1 submitter: Pathogenic (2). Last evaluated 2020-08-03.

Conditions:
Intellectual disability. Also called: intellectual disabilities; Intellectual developmental disorder; Intellectual functioning disability. Identifiers: MedGen C3714756, MeSH D008607, MONDO:0001071, HP:0001249.
Severe intellectual disability-poor language-strabismus-grimacing face-long fingers syndrome (GAND). Also called: GAND SYNDROME. Identifiers: Orphanet 363686, MedGen C3554448, MONDO:0014034, OMIM 615074.

Allele frequency attached by ClinVar (database versions not stated): gnomAD exomes below 0.00001.

Submissions (2):

Institute of Human Genetics, University of Leipzig Medical Center
Classification: Pathogenic for Intellectual disability. Last evaluated: 2020-08-03. Review status: criteria provided, single submitter. Criteria: ACMG Guidelines, 2015. Collection method: clinical testing. Allele origin: unknown. Affected: yes.
Comment: The variant likely explains the NDD in this individual.

Institute of Human Genetics, University of Leipzig Medical Center
Classification: Pathogenic for Severe intellectual disability-poor language-strabismus-grimacing face-long fingers syndrome. Last evaluated: 2019-01-01. Review status: criteria provided, single submitter. Criteria: ACMG Guidelines, 2015. Collection method: clinical testing. Allele origin: unknown. Affected: yes.

NM_020699.4(GATAD2B):c.1419+1G>A

Gene: GATAD2B (GATA zinc finger domain containing 2B; minus strand). Cytogenetic location: 1q21.3.
Variant type: single nucleotide variant.
Coding change: c.1419+1G>A on transcript NM_020699.4 (MANE Select); the canonical splice donor site of the intron after coding-DNA position 1419, G replaced by A.
Molecular consequence: splice donor variant.
Genome position (GRCh38, 1-based): chr1:153,813,249, C>T on the plus strand (G>A on the coding strand, the complement: GATAD2B is on the minus strand). VCF-style: chr1-153813249-C-T. GRCh37 (hg19) VCF-style: chr1-153785725-C-T.
Identifiers: ClinVar variation 977605 (VCV000977605.2), dbSNP rs1674353589, ClinGen allele CA342523616.